The following is an entry in ClinVar:

NM_001040108.2(MLH3):c.2506G>A (p.Glu836Lys)

Gene: MLH3 (mutL homolog 3; minus strand). Cytogenetic location: 14q24.3.
Variant type: single nucleotide variant.
Coding change: c.2506G>A on transcript NM_001040108.2 (MANE Select); coding-DNA position 2506, G replaced by A.
Protein change: p.Glu836Lys; replaces glutamic acid 836 with lysine.
Molecular consequence: missense variant.
Genome position (GRCh38, 1-based): chr14:75,047,150, C>T on the plus strand (G>A on the coding strand, the complement: MLH3 is on the minus strand). VCF-style: chr14-75047150-C-T. GRCh37 (hg19) VCF-style: chr14-75513853-C-T.
Other names: c.2506G>A, p.Glu836Lys (NM_014381.3); short protein forms E836K.
Identifiers: ClinVar variation 1792315 (VCV001792315.4), dbSNP rs750058752, ClinGen allele CA7275691.

ClinVar aggregate classification (germline): Uncertain significance. Review status: criteria provided, single submitter (1 of 4 stars). 2 submissions from 2 submitters: Uncertain significance (1). 1 of the submissions does not count toward it. Last evaluated 2024-05-13.

Conditions:
MLH3-related disorder. Also called: MLH3-related condition.

Allele frequency attached by ClinVar (database versions not stated): gnomAD exomes below 0.00001; ExAC 0.00001; gnomAD 0.00002; TOPMed 0.00002.
gnomAD v4.1: 10 of 1,614,076 alleles (0.00062%); highest among the groups gnomAD compares: Middle Eastern, 0.016%; no homozygotes.

Submissions (2):

Ambry Genetics
Classification: Uncertain significance. Last evaluated: 2024-05-13. Review status: criteria provided, single submitter. Criteria: Ambry Variant Classification Scheme 2023. Collection method: clinical testing. Allele origin: germline.
Comment: The p.E836K variant (also known as c.2506G>A), located in coding exon 1 of the MLH3 gene, results from a G to A substitution at nucleotide position 2506. The glutamic acid at codon 836 is replaced by lysine, an amino acid with similar properties. This amino acid position is not well conserved in available vertebrate species. In addition, this alteration is predicted to be tolerated by in silico analysis. Since supporting evidence is limited at this time, the clinical significance of this alteration remains unclear.

PreventionGenetics, part of Exact Sciences
Classification: Uncertain significance for MLH3-related condition. Last evaluated: 2024-05-17. Review status: no assertion criteria provided. Collection method: clinical testing. Allele origin: germline. Not counted in ClinVar's aggregate classification.
Comment: The MLH3 c.2506G>A variant is predicted to result in the amino acid substitution p.Glu836Lys. To our knowledge, this variant has not been reported in the literature. This variant is reported in 0.0062% of alleles in individuals of African descent in gnomAD. At this time, the clinical significance of this variant is uncertain due to the absence of conclusive functional and genetic evidence.